The following is an entry in ClinVar:

ClinVar aggregate classification (germline): Uncertain significance (1 of 4 stars; one submission).

Submission:

GeneDx
Classification: Uncertain significance. Last evaluated: 2024-01-09. Review status: criteria provided, single submitter. Criteria: GeneDx Variant Classification Process June 2021. Collection method: clinical testing. Allele origin: germline. Affected: yes.
Comment: Not observed at significant frequency in large population cohorts (gnomAD); In silico analysis supports that this missense variant has a deleterious effect on protein structure/function; Has not been previously published as pathogenic or benign to our knowledge

NM_000701.8(ATP1A1):c.457A>G (p.Lys153Glu)

Gene: ATP1A1 (ATPase Na+/K+ transporting subunit alpha 1; plus strand). Cytogenetic location: 1p13.1.
Variant type: single nucleotide variant.
Coding change: c.457A>G on transcript NM_000701.8 (MANE Select); coding-DNA position 457, A replaced by G.
Protein change: p.Lys153Glu; replaces lysine 153 with glutamic acid.
Molecular consequence: missense variant.
Genome position (GRCh38, 1-based): chr1:116,388,200, A>G. VCF-style: chr1-116388200-A-G. GRCh37 (hg19) VCF-style: chr1-116930822-A-G.
Other names: c.457A>G, p.Lys153Glu (NM_001160233.2); c.364A>G, p.Lys122Glu (NM_001160234.2); short protein forms K122E, K153E.
Identifiers: ClinVar variation 3367657 (VCV003367657.1).